The following is an entry in ClinVar:

NM_182961.4(SYNE1):c.17848G>C (p.Val5950Leu)

Gene: SYNE1 (spectrin repeat containing nuclear envelope protein 1; minus strand). Cytogenetic location: 6q25.2.
Variant type: single nucleotide variant.
Coding change: c.17848G>C on transcript NM_182961.4 (MANE Select); coding-DNA position 17848, G replaced by C.
Protein change: p.Val5950Leu; replaces valine 5950 with leucine.
Molecular consequence: missense variant.
Genome position (GRCh38, 1-based): chr6:152,293,962, C>G on the plus strand (G>C on the coding strand, the complement: SYNE1 is on the minus strand). VCF-style: chr6-152293962-C-G. GRCh37 (hg19) VCF-style: chr6-152615097-C-G.
Other names: p.Val5879Leu; c.17635G>C, p.Val5879Leu (NM_033071.5); short protein forms V5879L, V5950L.
Identifiers: ClinVar variation 448564 (VCV000448564.53), dbSNP rs200589166, ClinGen allele CA4055114.

ClinVar aggregate classification (germline): Uncertain significance. Review status: criteria provided, multiple submitters, no conflicts (2 of 4 stars). 8 submissions from 8 submitters: Uncertain significance (8). Last evaluated 2024-11-11.

Conditions:
Emery-Dreifuss muscular dystrophy 4, autosomal dominant (EDMD4). Also called: EMERY-DREIFUSS MUSCULAR DYSTROPHY 4 WITH VARIABLE FEATURES. Identifiers: Orphanet 261, MedGen C2751807, MONDO:0013071, OMIM 612998.
Arthrogryposis multiplex congenita 3, myogenic type. Also called: ARTHROGRYPOSIS MULTIPLEX CONGENITA, MYOGENIC TYPE. Identifiers: MedGen C5193121, MONDO:0032778, OMIM 618484.
Autosomal recessive ataxia, Beauce type. Also called: SYNE1 Deficiency; Spinocerebellar ataxia, autosomal recessive 8; ATAXIA, RECESSIVE, OF BEAUCE; SYNE1-Related Autosomal Recessive Cerebellar Ataxia. Identifiers: Orphanet 88644, MedGen C1853116, MONDO:0012549, OMIM 610743.

Allele frequency attached by ClinVar (database versions not stated): gnomAD 0.00005; gnomAD exomes 0.00006 and 0.00009; ExAC 0.00007; TOPMed 0.00008.
gnomAD v4.1: 136 of 1,614,006 alleles (0.0084%); highest among the groups gnomAD compares: Non-Finnish European, 0.011%; no homozygotes.

Submissions (8):

Blueprint Genetics
Classification: Uncertain significance. Last evaluated: 2024-11-11. Review status: criteria provided, single submitter. Criteria: ACMG Guidelines, 2015. Collection method: clinical testing. Allele origin: germline.

Labcorp Genetics (formerly Invitae), Labcorp
Classification: Uncertain significance for Emery-Dreifuss muscular dystrophy 4, autosomal dominant; Autosomal recessive ataxia, Beauce type. Last evaluated: 2024-09-14. Review status: criteria provided, single submitter. Criteria: Invitae Variant Classification Sherloc (09022015). Collection method: clinical testing. Allele origin: germline.
Comment: This sequence change replaces valine, which is neutral and non-polar, with leucine, which is neutral and non-polar, at codon 5879 of the SYNE1 protein (p.Val5879Leu). This variant is present in population databases (rs200589166, gnomAD 0.02%). This variant has not been reported in the literature in individuals affected with SYNE1-related conditions. ClinVar contains an entry for this variant (Variation ID: 448564). An algorithm developed to predict the effect of missense changes on protein structure and function (PolyPhen-2) suggests that this variant is likely to be disruptive. In summary, the available evidence is currently insufficient to determine the role of this variant in disease. Therefore, it has been classified as a Variant of Uncertain Significance.

Mayo Clinic Laboratories, Mayo Clinic
Classification: Uncertain significance. Last evaluated: 2024-06-25. Review status: criteria provided, single submitter. Criteria: ACMG Guidelines, 2015. Collection method: clinical testing. Allele origin: germline. Observed: 1 variant allele.
Comment: BP4

Fulgent Genetics
Classification: Uncertain significance for Autosomal recessive ataxia, Beauce type; Emery-Dreifuss muscular dystrophy 4, autosomal dominant; Arthrogryposis multiplex congenita 3, myogenic type. Last evaluated: 2024-05-10. Review status: criteria provided, single submitter. Criteria: ACMG Guidelines, 2015. Collection method: clinical testing. Allele origin: germline.

Revvity Omics, Revvity
Classification: Uncertain significance. Last evaluated: 2023-10-25. Review status: criteria provided, single submitter. Criteria: ACMG Guidelines, 2015. Collection method: clinical testing. Allele origin: germline.

GeneDx
Classification: Uncertain significance. Last evaluated: 2022-01-06. Review status: criteria provided, single submitter. Criteria: GeneDx Variant Classification Process June 2021. Collection method: clinical testing. Allele origin: germline. Affected: yes.
Comment: In silico analysis supports that this missense variant has a deleterious effect on protein structure/function; Has not been previously published as pathogenic or benign to our knowledge

CeGaT Center for Human Genetics Tuebingen
Classification: Uncertain significance. Last evaluated: 2018-12-01. Review status: criteria provided, single submitter. Criteria: CeGaT Center For Human Genetics Tuebingen Variant Classification Criteria Version 2. Collection method: clinical testing. Allele origin: germline. Affected: yes. Observed: 1 variant allele.

Athena Diagnostics
Classification: Uncertain significance. Last evaluated: 2017-06-06. Review status: criteria provided, single submitter. Criteria: Athena Diagnostics Criteria. Collection method: clinical testing. Allele origin: germline.